The following is an entry in ClinVar:

NM_015386.3(COG4):c.2356A>G (p.Arg786Gly)

Gene: COG4 (component of oligomeric golgi complex 4; minus strand). Cytogenetic location: 16q22.1.
Variant type: single nucleotide variant.
Coding change: c.2356A>G on transcript NM_015386.3 (MANE Select); coding-DNA position 2356, A replaced by G.
Protein change: p.Arg786Gly; replaces arginine 786 with glycine.
Molecular consequence: missense variant. On other transcripts: non-coding transcript variant (1).
Genome position (GRCh38, 1-based): chr16:70,481,024, T>C on the plus strand (A>G on the coding strand, the complement: COG4 is on the minus strand). VCF-style: chr16-70481024-T-C. GRCh37 (hg19) VCF-style: chr16-70514927-T-C.
Other names: c.2281A>G, p.Arg761Gly (NM_001195139.2); c.1930A>G, p.Arg644Gly (NM_001365426.1); short protein forms R644G, R761G, R786G.
Identifiers: ClinVar variation 3343183 (VCV003343183.1).
Genomic context (GRCh38, chr16:70,481,024, plus strand): 5'-GAACAGGCCTGCAAGTGTGATGAGCCAGGTGTGCTCATCCAGGCAGCTACAGGCGCAGCC[T>C]CTTGATATCTTCACTGCGGAAGTCTATCCGCAGGGCCAGCACCTGGCGCACTTCAGCAGG-3'
Protein context (NP_056201.2, residues 776-789): RIDFRSEDIK[Arg786Gly]LRL

ClinVar aggregate classification (germline): Uncertain significance (1 of 4 stars; one submission).

Submission:

GeneDx
Classification: Uncertain significance. Last evaluated: 2023-04-30. Review status: criteria provided, single submitter. Criteria: GeneDx Variant Classification Process June 2021. Collection method: clinical testing. Allele origin: germline. Affected: yes.
Comment: Not observed at significant frequency in large population cohorts (gnomAD); In silico analysis supports that this missense variant has a deleterious effect on protein structure/function; Has not been previously published as pathogenic or benign to our knowledge